The following is an entry in ClinVar:

ClinVar aggregate classification (germline): Likely pathogenic (1 of 4 stars; one submission).

Conditions:
Maple syrup urine disease (MSUD). Identifiers: Orphanet 511, MedGen C0024776, MeSH D008375, MONDO:0009563. Disease mechanism: loss of function.

Submission:

Myriad Genetics, Inc.
Classification: Likely pathogenic for Maple syrup urine disease type 1A. Last evaluated: 2022-02-12. Review status: criteria provided, single submitter. Criteria: Myriad Women's Health Autosomal Recessive and X-Linked Classification Criteria (2021). Collection method: clinical testing. Allele origin: unknown.
Comment: NM_001918.3(DBT):c.573delT(V192Lfs*44) is expected to be pathogenic in the context of maple syrup urine disease type II. This variant is predicted to lead to an abnormal or absent protein product due to the creation of a premature termination codon in DBT, a gene where loss-of-function variants are known to be pathogenic. Please note: this variant was assessed in the context of healthy population screening.

NM_001918.5(DBT):c.573del (p.Val192fs)

Gene: DBT (dihydrolipoamide branched chain transacylase E2; minus strand). Cytogenetic location: 1p21.2.
Variant type: Deletion.
Coding change: c.573del on transcript NM_001918.5 (MANE Select); coding-DNA position 573, one base deleted (T; older notation c.573delT).
Protein change: p.Val192fs; shifts the reading frame from valine 192.
Molecular consequence: frameshift variant. On other transcripts: non-coding transcript variant (3).
Genome position (GRCh38, 1-based): chr1:100,216,182, A deleted on the plus strand (T on the coding strand, the reverse complement: DBT is on the minus strand); the first of 2 consecutive A bases (chr1:100,216,182-100,216,183); deleting either gives the same sequence. VCF-style (leftmost placement, unchanged base first): chr1-100216181-CA-C. GRCh37 (hg19) VCF-style: chr1-100681737-CA-C.
Other names: c.30del, p.Val11fs (NM_001399969.1, NM_001399972.1); short protein forms V11fs, V192fs.
Identifiers: ClinVar variation 1724414 (VCV001724414.2), dbSNP rs745869101, ClinGen allele CA969698.